The following is an entry in ClinVar:

ClinVar aggregate classification (germline): Uncertain significance (1 of 4 stars; one submission).

Conditions:
Hypertrophic cardiomyopathy. Also called: HYPERTROPHIC MYOCARDIOPATHY. Identifiers: Orphanet 217569, MedGen C0007194, MeSH D002312, MONDO:0005045, HP:0001639.

Submission:

Clinical Genetics Laboratory, Skane University Hospital Lund
Classification: Uncertain significance for Hypertrophic cardiomyopathy. Last evaluated: 2025-03-11. Review status: criteria provided, single submitter. Criteria: ACMG Guidelines, 2015. Collection method: clinical testing. Allele origin: germline. Affected: yes.
Comment: According to ClinGen Cardiomyopathy Expert Panel Specifications to the ACMG/AMP Variant Interpretation Guidelines for MYBPC3 Version 1.0.0: PM1, PM2_supporting, PM4

NM_000256.3(MYBPC3):c.3749_3760del (p.Ile1250_Cys1253del)

Gene: MYBPC3 (myosin binding protein C3; minus strand). Cytogenetic location: 11p11.2.
Variant type: Deletion.
Coding change: c.3749_3760del on transcript NM_000256.3 (MANE Select); coding-DNA positions 3749 to 3760, 12 bases deleted (TCTATGTCTGCA).
Protein change: p.Ile1250_Cys1253del.
Genome position (GRCh38, 1-based): chr11:47,332,126-47,332,137, TGCAGACATAGA deleted on the plus strand (TCTATGTCTGCA on the coding strand, the reverse complement: MYBPC3 is on the minus strand); deleting any 12 consecutive bases within chr11:47,332,126-47,332,140 gives the same sequence; the c. name uses the placement nearest the transcript's 3' end. VCF-style (leftmost placement, unchanged base first): chr11-47332125-CTGCAGACATAGA-C. GRCh37 (hg19) VCF-style: chr11-47353676-CTGCAGACATAGA-C.
Identifiers: ClinVar variation 3767290 (VCV003767290.1).